The following is an entry in ClinVar:

NM_006618.5(KDM5B):c.624C>G (p.Tyr208Ter)

Gene: KDM5B (lysine demethylase 5B; minus strand). Cytogenetic location: 1q32.1.
Variant type: single nucleotide variant.
Coding change: c.624C>G on transcript NM_006618.5 (MANE Select); coding-DNA position 624, C replaced by G.
Protein change: p.Tyr208Ter; replaces tyrosine 208 with a stop codon.
Molecular consequence: nonsense. On other transcripts: intron variant (1).
Genome position (GRCh38, 1-based): chr1:202,767,013, G>C on the plus strand (C>G on the coding strand, the complement: KDM5B is on the minus strand). VCF-style: chr1-202767013-G-C. GRCh37 (hg19) VCF-style: chr1-202736141-G-C.
Other names: c.624C>G, p.Tyr208Ter (NM_001314042.2); c.609C>G, p.Tyr203Ter (NM_001399817.1); c.577-2868C>G (NM_001347591.2); short protein forms Y203*, Y208*.
Identifiers: ClinVar variation 4071599 (VCV004071599.1).

ClinVar aggregate classification (germline): Likely pathogenic (1 of 4 stars; one submission).

Submission:

GeneDx
Classification: Likely pathogenic. Last evaluated: 2025-01-27. Review status: criteria provided, single submitter. Criteria: GeneDx Variant Classification Process June 2021. Collection method: clinical testing. Allele origin: germline. Affected: yes.
Comment: Nonsense variant predicted to result in protein truncation or nonsense mediated decay in a gene for which loss of function is a known mechanism of disease; Not observed at significant frequency in large population cohorts (gnomAD); Has not been previously published as pathogenic or benign to our knowledge